The following is an entry in ClinVar:

NM_138691.3(TMC1):c.65-4_77del

Gene: TMC1 (transmembrane channel like 1; plus strand). Cytogenetic location: 9q21.13.
Variant type: Deletion.
Coding change: c.65-4_77del on transcript NM_138691.3 (MANE Select); 4 bases into the intron before coding-DNA position 65 through coding-DNA position 77, 17 bases deleted (TTAGGTGAAGAGGAAGA).
Molecular consequence: splice acceptor variant.
Genome position (GRCh38, 1-based): chr9:72,694,539-72,694,555, TTAGGTGAAGAGGAAGA deleted. VCF-style (leftmost placement, unchanged base first): chr9-72694538-TTTAGGTGAAGAGGAAGA-T. GRCh37 (hg19) VCF-style: chr9-75309454-TTTAGGTGAAGAGGAAGA-T.
Identifiers: ClinVar variation 3601913 (VCV003601913.1).

ClinVar aggregate classification (germline): Pathogenic (1 of 4 stars; one submission).

Conditions:
Autosomal recessive nonsyndromic hearing loss 7. Also called: DEAFNESS, AUTOSOMAL RECESSIVE 11. Identifiers: Orphanet 90636, MedGen C1832978, MONDO:0010967, OMIM 600974.

Submission:

Institute of Rare Diseases, West China Hospital, Sichuan University
Classification: Pathogenic for Autosomal recessive nonsyndromic hearing loss 7. Last evaluated: 2025-01-09. Review status: criteria provided, single submitter. Criteria: ClinGen HL ACMG Specifications v1. Collection method: research. Allele origin: germline. Affected: yes.
Comment: PVS1;PM3;PM2_Supporting